The following is an entry in ClinVar:

NM_005228.5(EGFR):c.701A>G (p.Asn234Ser)

Gene: EGFR (epidermal growth factor receptor; plus strand). Cytogenetic location: 7p11.2.
Variant type: single nucleotide variant.
Coding change: c.701A>G on transcript NM_005228.5 (MANE Select); coding-DNA position 701, A replaced by G.
Protein change: p.Asn234Ser; replaces asparagine 234 with serine.
Molecular consequence: missense variant. On other transcripts: intron variant (1).
Genome position (GRCh38, 1-based): chr7:55,152,618, A>G. VCF-style: chr7-55152618-A-G. GRCh37 (hg19) VCF-style: chr7-55220311-A-G.
Other names: c.566A>G, p.Asn189Ser (NM_001346897.2, NM_001346899.2); c.701A>G, p.Asn234Ser (NM_001346898.2, NM_201282.2, NM_201283.2 and 1 more transcripts); c.542A>G, p.Asn181Ser (NM_001346900.2); c.89-3212A>G (NM_001346941.2); short protein forms N189S, N234S, N181S.
Identifiers: ClinVar variation 1990931 (VCV001990931.4), dbSNP rs2128933803, ClinGen allele CA367577474.
Genomic context (GRCh38, chr7:55,152,618, plus strand): 5'-TCTGTGCCCAGCAGTGCTCCGGGCGCTGCCGTGGCAAGTCCCCCAGTGACTGCTGCCACA[A>G]CCAGTGTGCTGCAGGCTGCACAGGCCCCCGGGAGAGCGACTGCCTGGTAAGATGCCCCTC-3'
Protein context (NP_005219.2, residues 224-244): RGKSPSDCCH[Asn234Ser]QCAAGCTGPR

ClinVar aggregate classification (germline): Uncertain significance (1 of 4 stars; one submission).

Conditions:
EGFR-related lung cancer (EGFR). Identifiers: MedGen CN130014.

Submission:

Labcorp Genetics (formerly Invitae), Labcorp
Classification: Uncertain significance for EGFR-related lung cancer. Last evaluated: 2022-05-09. Review status: criteria provided, single submitter. Criteria: Invitae Variant Classification Sherloc (09022015). Collection method: clinical testing. Allele origin: germline.
Comment: In summary, the available evidence is currently insufficient to determine the role of this variant in disease. Therefore, it has been classified as a Variant of Uncertain Significance. Algorithms developed to predict the effect of missense changes on protein structure and function output the following: SIFT: "Tolerated"; PolyPhen-2: "Benign"; Align-GVGD: "Class C0". The serine amino acid residue is found in multiple mammalian species, which suggests that this missense change does not adversely affect protein function. This variant has not been reported in the literature in individuals affected with EGFR-related conditions. This variant is not present in population databases (gnomAD no frequency). This sequence change replaces asparagine, which is neutral and polar, with serine, which is neutral and polar, at codon 234 of the EGFR protein (p.Asn234Ser).